The following is an entry in ClinVar:

ClinVar aggregate classification (germline): Uncertain significance (1 of 4 stars; one submission).

Allele frequency attached by ClinVar (database versions not stated): gnomAD exomes below 0.00001.
gnomAD v4.1: 2 of 1,614,152 alleles (0.00012%); highest among the groups gnomAD compares: Middle Eastern, 0.017%; no homozygotes.

Submission:

Labcorp Genetics (formerly Invitae), Labcorp
Classification: Uncertain significance. Last evaluated: 2021-12-02. Review status: criteria provided, single submitter. Criteria: Invitae Variant Classification Sherloc (09022015). Collection method: clinical testing. Allele origin: germline.
Comment: In summary, the available evidence is currently insufficient to determine the role of this variant in disease. Therefore, it has been classified as a Variant of Uncertain Significance. Algorithms developed to predict the effect of missense changes on protein structure and function (SIFT, PolyPhen-2, Align-GVGD) all suggest that this variant is likely to be tolerated. This variant has not been reported in the literature in individuals affected with ERCC3-related conditions. This variant is not present in population databases (gnomAD no frequency). This sequence change replaces proline, which is neutral and non-polar, with leucine, which is neutral and non-polar, at codon 769 of the ERCC3 protein (p.Pro769Leu).

NM_000122.2(ERCC3):c.2306C>T (p.Pro769Leu)

Gene: ERCC3 (ERCC excision repair 3, TFIIH core complex helicase subunit; minus strand). Cytogenetic location: 2q14.3.
Variant type: single nucleotide variant.
Coding change: c.2306C>T on transcript NM_000122.2 (MANE Select); coding-DNA position 2306, C replaced by T.
Protein change: p.Pro769Leu; replaces proline 769 with leucine.
Molecular consequence: missense variant.
Genome position (GRCh38, 1-based): chr2:127,257,639, G>A on the plus strand (C>T on the coding strand, the complement: ERCC3 is on the minus strand). VCF-style: chr2-127257639-G-A. GRCh37 (hg19) VCF-style: chr2-128015215-G-A.
Other names: c.2114C>T, p.Pro705Leu (NM_001303416.2, NM_001303418.2); short protein forms P705L, P769L.
Identifiers: ClinVar variation 1399406 (VCV001399406.6), dbSNP rs2104725653, ClinGen allele CA348385250.